The following is an entry in ClinVar:

ClinVar aggregate classification (germline): Uncertain significance (1 of 4 stars; one submission).

Submission:

CeGaT Center for Human Genetics Tuebingen
Classification: Uncertain significance. Last evaluated: 2025-10-01. Review status: criteria provided, single submitter. Criteria: CeGaT Center For Human Genetics Tuebingen Variant Classification Criteria Version 2. Collection method: clinical testing. Allele origin: germline. Affected: yes. Observed: 1 variant allele.
Comment: CDH23: PM2, PP3

NM_022124.6(CDH23):c.9740T>C (p.Leu3247Pro)

Gene: CDH23 (cadherin related 23; plus strand). Cytogenetic location: 10q22.1.
Variant type: single nucleotide variant.
Coding change: c.9740T>C on transcript NM_022124.6 (MANE Select); coding-DNA position 9740, T replaced by C.
Protein change: p.Leu3247Pro; replaces leucine 3247 with proline.
Molecular consequence: missense variant.
Genome position (GRCh38, 1-based): chr10:71,814,953, T>C. VCF-style: chr10-71814953-T-C. GRCh37 (hg19) VCF-style: chr10-73574710-T-C.
Other names: c.3020T>C, p.Leu1007Pro (NM_001171933.1); c.2915T>C, p.Leu972Pro (NM_001171934.1); c.431T>C, p.Leu144Pro (NM_001171935.1); c.326T>C, p.Leu109Pro (NM_001171936.1); short protein forms L1007P, L109P, L144P, L3247P, L972P.
Identifiers: ClinVar variation 4534955 (VCV004534955.6).
Genomic context (GRCh38, chr10:71,814,953, plus strand): 5'-TCCACCTGCTCACCCCTTGGGCATGGCCCTGAGCATGTGGGGGTCCCGGCCTCTTGCAGC[T>C]GATACAGACTGAGCTGGACGAGGAGCCAGGAGACCACAGCCCAGGGCAGGGTAGCCTGCG-3'
Protein context (NP_071407.4, residues 3237-3257): ASSCHSSISE[Leu3247Pro]IQTELDEEPG